The following is an entry in ClinVar:

ClinVar aggregate classification (germline): Uncertain significance. Review status: criteria provided, multiple submitters, no conflicts (2 of 4 stars). 2 submissions from 2 submitters: Uncertain significance (2). Last evaluated 2021-12-13.

Conditions:
Familial steroid-resistant nephrotic syndrome with sensorineural deafness. Identifiers: Orphanet 280406, MedGen C3553349, MONDO:0013836, OMIM 614650.

Allele frequency attached by ClinVar (database versions not stated): gnomAD exomes below 0.00001.
gnomAD v4.1: 2 of 1,614,096 alleles (0.00012%); no homozygotes.

Submissions (2):

Fulgent Genetics
Classification: Uncertain significance for Familial steroid-resistant nephrotic syndrome with sensorineural deafness. Last evaluated: 2021-12-13. Review status: criteria provided, single submitter. Criteria: ACMG Guidelines, 2015. Collection method: clinical testing. Allele origin: unknown.

Labcorp Genetics (formerly Invitae), Labcorp
Classification: Uncertain significance. Last evaluated: 2021-04-23. Review status: criteria provided, single submitter. Criteria: Invitae Variant Classification Sherloc (09022015). Collection method: clinical testing. Allele origin: germline.
Comment: In summary, the available evidence is currently insufficient to determine the role of this variant in disease. Therefore, it has been classified as a Variant of Uncertain Significance. Algorithms developed to predict the effect of missense changes on protein structure and function are either unavailable or do not agree on the potential impact of this missense change (SIFT: "Deleterious"; PolyPhen-2: "Possibly Damaging"; Align-GVGD: "Class C15"). This variant has not been reported in the literature in individuals with COQ6-related conditions. This variant is not present in population databases (ExAC no frequency). This sequence change replaces serine with cysteine at codon 185 of the COQ6 protein (p.Ser185Cys). The serine residue is moderately conserved and there is a moderate physicochemical difference between serine and cysteine.

NM_182476.3(COQ6):c.554C>G (p.Ser185Cys)

Genes: COQ6 (coenzyme Q6, monooxygenase; plus strand), ENTPD5 (ectonucleoside triphosphate diphosphohydrolase 5; minus strand). Cytogenetic location: 14q24.3.
Variant type: single nucleotide variant.
Coding change: c.554C>G on transcript NM_182476.3 (MANE Select); coding-DNA position 554, C replaced by G.
Protein change: p.Ser185Cys; replaces serine 185 with cysteine.
Molecular consequence: missense variant. On other transcripts: 3 prime UTR variant (3), intron variant (5).
Genome position (GRCh38, 1-based): chr14:73,958,219, C>G. VCF-style: chr14-73958219-C-G. GRCh37 (hg19) VCF-style: chr14-74424922-C-G.
Other names: c.554C>G, p.Ser185Cys (NM_001425255.1, NM_001425256.1); c.389C>G, p.Ser130Cys (NM_001425257.1); c.479C>G, p.Ser160Cys (NM_001425258.1, NM_182480.3); c.329C>G, p.Ser110Cys (NM_001425259.1, NM_001425260.1, NM_001425261.1); c.227C>G, p.Ser76Cys (NM_001425263.1); c.*1311G>C (NM_001330189.2, NM_001382259.1, NM_001382260.1); c.73-752C>G (NM_001425265.1, NM_001425264.1); c.358-752C>G (NM_001425262.1); and 2 more; short protein forms S185C, S160C.
Identifiers: ClinVar variation 1497165 (VCV001497165.9), dbSNP rs1170799064, ClinGen allele CA390374991.
Genomic context (GRCh38, chr14:73,958,219, plus strand): 5'-TTCTCTACAGGAGCAAAGCCATTCGCTATACCTGGCCTTGTCCATTTCCTATGGCCGACT[C>G]CAGCCCTTGGGTTCATATTACCCTAGGTGATGGCAGCACCTTCCAGACCAAATTGTTGGT-3'
Protein context (NP_872282.1, residues 175-195): TWPCPFPMAD[Ser185Cys]SPWVHITLGD